The following is an entry in ClinVar:

ClinVar aggregate classification (germline): Uncertain significance. Review status: criteria provided, multiple submitters, no conflicts (2 of 4 stars). 2 submissions from 2 submitters: Uncertain significance (2). Last evaluated 2022-07-01.

Conditions:
Microcephaly 3, primary, autosomal recessive. Identifiers: Orphanet 2512, MedGen C1858108, MONDO:0011488, OMIM 604804.

Allele frequency attached by ClinVar (database versions not stated): ExAC 0.00002; TOPMed 0.00002; gnomAD 0.00003 and 0.00004; gnomAD exomes 0.00003; 1000 Genomes Project 30x 0.00016; 1000 Genomes Project 0.00020.

Submissions (2):

Labcorp Genetics (formerly Invitae), Labcorp
Classification: Uncertain significance. Last evaluated: 2022-07-01. Review status: criteria provided, single submitter. Criteria: Invitae Variant Classification Sherloc (09022015). Collection method: clinical testing. Allele origin: germline.
Comment: In summary, the available evidence is currently insufficient to determine the role of this variant in disease. Therefore, it has been classified as a Variant of Uncertain Significance. Algorithms developed to predict the effect of missense changes on protein structure and function output the following: SIFT: "Deleterious"; PolyPhen-2: "Benign"; Align-GVGD: "Class C15". The valine amino acid residue is found in multiple mammalian species, which suggests that this missense change does not adversely affect protein function. ClinVar contains an entry for this variant (Variation ID: 158150). This variant has not been reported in the literature in individuals affected with CDK5RAP2-related conditions. This variant is present in population databases (rs201864352, gnomAD 0.03%). This sequence change replaces methionine, which is neutral and non-polar, with valine, which is neutral and non-polar, at codon 1465 of the CDK5RAP2 protein (p.Met1465Val).

Genetic Services Laboratory, University of Chicago
Classification: Uncertain significance for Microcephaly 3, primary, autosomal recessive. Last evaluated: 2013-02-08. Review status: criteria provided, single submitter. Criteria: ACMG Guidelines, 2007. Collection method: clinical testing. Allele origin: germline. Inheritance: Autosomal recessive inheritance.

NM_018249.6(CDK5RAP2):c.4393A>G (p.Met1465Val)

Gene: CDK5RAP2 (CDK5 regulatory subunit associated protein 2; minus strand). Cytogenetic location: 9q33.2.
Variant type: single nucleotide variant.
Coding change: c.4393A>G on transcript NM_018249.6 (MANE Select); coding-DNA position 4393, A replaced by G.
Protein change: p.Met1465Val; replaces methionine 1465 with valine.
Molecular consequence: missense variant. On other transcripts: non-coding transcript variant (5).
Genome position (GRCh38, 1-based): chr9:120,411,379, T>C on the plus strand (A>G on the coding strand, the complement: CDK5RAP2 is on the minus strand). VCF-style: chr9-120411379-T-C. GRCh37 (hg19) VCF-style: chr9-123173657-T-C.
Other names: c.4393A>G, p.Met1465Val (NM_001011649.3); c.3703A>G, p.Met1235Val (NM_001272039.2); short protein forms M1465V, M1235V.
Identifiers: ClinVar variation 158150 (VCV000158150.8), dbSNP rs201864352, ClinGen allele CA271220.